The following is an entry in ClinVar:

ClinVar aggregate classification (germline): Uncertain significance (1 of 4 stars; one submission).

Submission:

Dasa
Classification: Uncertain significance. Last evaluated: 2024-10-25. Review status: criteria provided, single submitter. Criteria: DASA Assertion Criteria. Collection method: clinical testing. Allele origin: germline.
Comment: NM_001297595.2(SIN3B):c.1360C>T (p.Arg454Cys) is a missense variant that results in the substitution of arginine with cysteine. This variant is absent from population databases. The currently available literature and clinical evidence are not sufficient to establish a definitive association between this variant and the reported condition. Therefore, this variant is classified as a variant of uncertain significance.

NM_001297595.2(SIN3B):c.1360C>T (p.Arg454Cys)

Gene: SIN3B (SIN3 transcription regulator family member B; plus strand). Cytogenetic location: 19p13.11.
Variant type: single nucleotide variant.
Coding change: c.1360C>T on transcript NM_001297595.2 (MANE Select); coding-DNA position 1360, C replaced by T.
Protein change: p.Arg454Cys; replaces arginine 454 with cysteine.
Molecular consequence: missense variant.
Genome position (GRCh38, 1-based): chr19:16,863,773, C>T. VCF-style: chr19-16863773-C-T. GRCh37 (hg19) VCF-style: chr19-16974584-C-T.
Other names: c.130C>T, p.Arg44Cys (NM_001297597.2); c.1456C>T, p.Arg486Cys (NM_015260.4); short protein forms R44C, R454C, R486C.
Identifiers: ClinVar variation 4883587 (VCV004883587.2).